The following is an entry in ClinVar:

ClinVar aggregate classification (germline): Uncertain significance (1 of 4 stars; one submission).

Conditions:
Hereditary cancer-predisposing syndrome. Also called: Hereditary Cancer Syndrome; Tumor predisposition; Neoplastic Syndromes, Hereditary; Hereditary neoplastic syndrome. Identifiers: Orphanet 140162, MedGen C0027672, MeSH D009386, MONDO:0015356.

gnomAD v4.1: 1 of 1,613,384 alleles (0.000062%); highest among the groups gnomAD compares: Non-Finnish European, 0.000085%; no homozygotes.

Submission:

Labcorp Genetics (formerly Invitae), Labcorp
Classification: Uncertain significance for Hereditary cancer-predisposing syndrome. Last evaluated: 2022-02-24. Review status: criteria provided, single submitter. Criteria: Invitae Variant Classification Sherloc (09022015). Collection method: clinical testing. Allele origin: germline.
Comment: This sequence change falls in intron 19 of the RAD50 gene. It does not directly change the encoded amino acid sequence of the RAD50 protein. It affects a nucleotide within the consensus splice site. This variant is not present in population databases (gnomAD no frequency). This variant has not been reported in the literature in individuals affected with RAD50-related conditions. Variants that disrupt the consensus splice site are a relatively common cause of aberrant splicing (PMID: 17576681, 9536098). Algorithms developed to predict the effect of sequence changes on RNA splicing suggest that this variant is not likely to affect RNA splicing. In summary, the available evidence is currently insufficient to determine the role of this variant in disease. Therefore, it has been classified as a Variant of Uncertain Significance.

Literature cited by the submitters: PubMed 17576681; PubMed 9536098.

NM_005732.4(RAD50):c.3036+5G>T

Gene: RAD50 (RAD50 double strand break repair protein; plus strand). Cytogenetic location: 5q31.1.
Variant type: single nucleotide variant.
Coding change: c.3036+5G>T on transcript NM_005732.4 (MANE Select); 5 bases into the intron after coding-DNA position 3036, G replaced by T.
Molecular consequence: intron variant.
Genome position (GRCh38, 1-based): chr5:132,609,401, G>T. VCF-style: chr5-132609401-G-T. GRCh37 (hg19) VCF-style: chr5-131945093-G-T.
Identifiers: ClinVar variation 2102773 (VCV002102773.4), dbSNP rs181016343, ClinGen allele CA2580072751.
Genomic context (GRCh38, chr5:132,609,401, plus strand): 5'-AAGAAAAGATAAATGAAGATATGAGACTCATGAGACAAGATATTGATACACAGAAGGTAG[G>T]TCTGTTTTGCTTATGATATCACTTACACCTATGACATTCTTTTCTATAGTTTTATTTTCA-3'